The following is an entry in ClinVar:

ClinVar aggregate classification (germline): Uncertain significance. Review status: criteria provided, multiple submitters, no conflicts (2 of 4 stars). 2 submissions from 2 submitters: Uncertain significance (2). Last evaluated 2025-02-17.

Conditions:
Tuberous sclerosis 2 (TSC2). Identifiers: Orphanet 805, MedGen C1860707, MONDO:0013199, OMIM 613254.

Submissions (2):

Labcorp Genetics (formerly Invitae), Labcorp
Classification: Uncertain significance for Tuberous sclerosis 2. Last evaluated: 2025-02-17. Review status: criteria provided, single submitter. Criteria: Invitae Variant Classification Sherloc (09022015). Collection method: clinical testing. Allele origin: germline.
Comment: This variant, c.3106_3108del, results in the deletion of 1 amino acid(s) of the TSC2 protein (p.Ser1036del), but otherwise preserves the integrity of the reading frame. This variant is not present in population databases (gnomAD no frequency). This variant has not been reported in the literature in individuals affected with TSC2-related conditions. Experimental studies and prediction algorithms are not available or were not evaluated, and the functional significance of this variant is currently unknown. In summary, the available evidence is currently insufficient to determine the role of this variant in disease. Therefore, it has been classified as a Variant of Uncertain Significance.

MVZ Medizinische Genetik Mainz
Classification: Uncertain significance for Tuberous sclerosis 2. Last evaluated: 2025-01-13. Review status: criteria provided, single submitter. Criteria: UK Practice Guidelines For Variant Classification V4 01 2020. Collection method: clinical testing. Allele origin: germline. Inheritance: Autosomal dominant inheritance. Affected: yes. Observed: 1 variant allele.
Comment: ACMG Criteria: PM4,PM2_SUP,PP3

NM_000548.5(TSC2):c.3106_3108del (p.Ser1036del)

Gene: TSC2 (TSC complex subunit 2; plus strand). Cytogenetic location: 16p13.3.
Variant type: Deletion.
Coding change: c.3106_3108del on transcript NM_000548.5 (MANE Select); coding-DNA positions 3106 to 3108, 3 bases deleted (TCC; older notation c.3106_3108delTCC).
Protein change: p.Ser1036del; deletes serine 1036.
Molecular consequence: non-coding transcript variant (on NR_176225.1).
Genome position (GRCh38, 1-based): chr16:2,079,171-2,079,173, TCC deleted; deleting any 3 consecutive bases within chr16:2,079,170-2,079,173 gives the same sequence; the c. name uses the placement nearest the transcript's 3' end. VCF-style (leftmost placement, unchanged base first): chr16-2079169-TCTC-T. GRCh37 (hg19) VCF-style: chr16-2129170-TCTC-T.
Other names: c.2974_2976del, p.Ser992del (NM_001077183.3, NM_001370404.1, NM_001406665.1); c.3106_3108del, p.Ser1036del (NM_001114382.3); c.2866_2868del, p.Ser956del (NM_001318827.2); c.2830_2832del, p.Ser944del (NM_001318829.2); c.2374_2376del, p.Ser792del (NM_001318831.2, NM_001406687.1, NM_001406688.1); c.3007_3009del, p.Ser1003del (NM_001318832.2); c.2977_2979del, p.Ser993del (NM_001363528.2, NM_001370405.1, NM_021055.3); c.3103_3105del, p.Ser1035del (NM_001406663.1, NM_001406664.1); and 18 more; short protein forms S1003del, S1022del, S1023del, S1035del, S1036del, S458del, S544del, S545del.
Identifiers: ClinVar variation 3601968 (VCV003601968.2).